The following is an entry in ClinVar:

NM_022841.7(RFX7):c.3886G>A (p.Ala1296Thr)

Gene: RFX7 (regulatory factor X7; minus strand). Cytogenetic location: 15q21.3.
Variant type: single nucleotide variant.
Coding change: c.3886G>A on transcript NM_022841.7 (MANE Select); coding-DNA position 3886, G replaced by A.
Protein change: p.Ala1296Thr; replaces alanine 1296 with threonine.
Molecular consequence: missense variant.
Genome position (GRCh38, 1-based): chr15:56,093,842, C>T on the plus strand (G>A on the coding strand, the complement: RFX7 is on the minus strand). VCF-style: chr15-56093842-C-T. GRCh37 (hg19) VCF-style: chr15-56386040-C-T.
Other names: c.3595G>A, p.Ala1199Thr (NM_001368073.2, NM_001368074.1, NM_001370554.1); c.3886G>A, p.Ala1296Thr (NM_001370561.1); short protein forms A1199T, A1296T.
Identifiers: ClinVar variation 4883070 (VCV004883070.2).

ClinVar aggregate classification (germline): Uncertain significance (1 of 4 stars; one submission).

Conditions:
Intellectual developmental disorder, autosomal dominant 71, with behavioral abnormalities (MRD71). Identifiers: MedGen C5830437, MONDO:0957228, OMIM 620330.

gnomAD v4.1: 1 of 1,613,776 alleles (0.000062%); highest among the groups gnomAD compares: Admixed American, 0.0017%; no homozygotes.

Submission:

Dasa
Classification: Uncertain significance for Intellectual developmental disorder, autosomal dominant 71, with behavioral abnormalities. Last evaluated: 2025-11-13. Review status: criteria provided, single submitter. Criteria: DASA Assertion Criteria. Collection method: clinical testing. Allele origin: germline.
Comment: NM_022841.7(RFX7):c.3886G>A (p.Ala1296Thr) is a missense variant that results in the substitution of alanine with threonine. This variant is rare in population databases. The currently available literature and clinical evidence are not sufficient to establish a definitive association between this variant and the reported condition. Therefore, this variant is classified as a variant of uncertain significance.